The following is an entry in ClinVar:

NM_007126.5(VCP):c.211G>A (p.Val71Ile)

Gene: VCP (valosin containing protein; minus strand). Cytogenetic location: 9p13.3.
Variant type: single nucleotide variant.
Coding change: c.211G>A on transcript NM_007126.5 (MANE Select); coding-DNA position 211, G replaced by A.
Protein change: p.Val71Ile; replaces valine 71 with isoleucine.
Molecular consequence: missense variant.
Genome position (GRCh38, 1-based): chr9:35,067,982, C>T on the plus strand (G>A on the coding strand, the complement: VCP is on the minus strand). VCF-style: chr9-35067982-C-T. GRCh37 (hg19) VCF-style: chr9-35067979-C-T.
Other names: c.76G>A, p.Val26Ile (NM_001354927.2, NM_001354928.2); short protein forms V71I, V26I.
Identifiers: ClinVar variation 2140096 (VCV002140096.4), dbSNP rs748091463, ClinGen allele CA5039531.

ClinVar aggregate classification (germline): Uncertain significance (1 of 4 stars; one submission).

Conditions:
Frontotemporal dementia and/or amyotrophic lateral sclerosis 6 (FTDALS6). Also called: VCP-Related Amyotrophic Lateral Sclerosis; VCP-Related Amyotrophic Lateral Sclerosis/Frontotemporal Dementia. Identifiers: Orphanet 275872, Orphanet 803, MedGen C5436279, MONDO:0013501, OMIM 613954.
Inclusion body myopathy with Paget disease of bone and frontotemporal dementia. Also called: Inclusion body myopathy with early-onset Paget disease and frontotemporal dementia. Identifiers: Orphanet 52430, MedGen C1833662, MONDO:0000507.

Allele frequency attached by ClinVar (database versions not stated): gnomAD exomes below 0.00001; TOPMed below 0.00001; ExAC 0.00002.
gnomAD v4.1: 5 of 1,614,230 alleles (0.00031%); highest among the groups gnomAD compares: South Asian, 0.0011%; no homozygotes.

Submission:

Labcorp Genetics (formerly Invitae), Labcorp
Classification: Uncertain significance for Inclusion body myopathy with Paget disease of bone and frontotemporal dementia; Frontotemporal dementia and/or amyotrophic lateral sclerosis 6. Last evaluated: 2024-05-01. Review status: criteria provided, single submitter. Criteria: Invitae Variant Classification Sherloc (09022015). Collection method: clinical testing. Allele origin: germline.
Comment: This sequence change replaces valine, which is neutral and non-polar, with isoleucine, which is neutral and non-polar, at codon 71 of the VCP protein (p.Val71Ile). This variant is present in population databases (rs748091463, gnomAD 0.003%). This variant has not been reported in the literature in individuals affected with VCP-related conditions. ClinVar contains an entry for this variant (Variation ID: 2140096). Advanced modeling of protein sequence and biophysical properties (such as structural, functional, and spatial information, amino acid conservation, physicochemical variation, residue mobility, and thermodynamic stability) performed at Invitae indicates that this missense variant is not expected to disrupt VCP protein function with a negative predictive value of 95%. In summary, the available evidence is currently insufficient to determine the role of this variant in disease. Therefore, it has been classified as a Variant of Uncertain Significance.